The following is an entry in ClinVar:

ClinVar aggregate classification (germline): Benign/Likely benign. Review status: criteria provided, multiple submitters, no conflicts (2 of 4 stars). 3 submissions from 3 submitters: Benign (1); Likely benign (2). Last evaluated 2024-10-31.

Conditions:
Hereditary cancer-predisposing syndrome. Also called: Hereditary Cancer Syndrome; Hereditary neoplastic syndrome; Neoplastic Syndromes, Hereditary; Tumor predisposition. Identifiers: Orphanet 140162, MedGen C0027672, MeSH D009386, MONDO:0015356.
Multiple endocrine neoplasia, type 1 (MEN1). Also called: MEA I; MEN I; WERMER SYNDROME; Endocrine adenomatosis multiple; MEN 1. Identifiers: Orphanet 652, MedGen C0025267, MeSH D018761, MONDO:0007540, OMIM 131100.

Allele frequency attached by ClinVar (database versions not stated): gnomAD exomes below 0.00001 and 0.00001; TOPMed 0.00001; ExAC 0.00002.
gnomAD v4.1: 3 of 1,591,004 alleles (0.00019%); highest among the groups gnomAD compares: African/African-American, 0.0027%; no homozygotes.

Submissions (3):

Myriad Genetics, Inc.
Classification: Benign for Multiple endocrine neoplasia, type 1. Last evaluated: 2024-10-31. Review status: criteria provided, single submitter. Criteria: Myriad Autosomal Dominant, Autosomal Recessive and X-Linked Classification Criteria (2023). Collection method: clinical testing. Allele origin: unknown.
Comment: This variant is considered benign. This variant is a silent/synonymous amino acid change and it is not expected to impact splicing.

Labcorp Genetics (formerly Invitae), Labcorp
Classification: Likely benign for Multiple endocrine neoplasia, type 1. Last evaluated: 2024-06-19. Review status: criteria provided, single submitter. Criteria: Invitae Variant Classification Sherloc (09022015). Collection method: clinical testing. Allele origin: germline.

Ambry Genetics
Classification: Likely benign for Hereditary cancer-predisposing syndrome. Last evaluated: 2017-08-03. Review status: criteria provided, single submitter. Criteria: Ambry Variant Classification Scheme 2023. Collection method: clinical testing. Allele origin: germline.

NM_001370259.2(MEN1):c.135G>A (p.Glu45=)

Gene: MEN1 (menin 1; minus strand). Cytogenetic location: 11q13.1.
Variant type: single nucleotide variant.
Coding change: c.135G>A on transcript NM_001370259.2 (MANE Select); coding-DNA position 135, G replaced by A.
Protein change: p.Glu45=; no amino-acid change (glutamic acid 45 retained).
Molecular consequence: synonymous variant.
Genome position (GRCh38, 1-based): chr11:64,809,975, C>T on the plus strand (G>A on the coding strand, the complement: MEN1 is on the minus strand). VCF-style: chr11-64809975-C-T. GRCh37 (hg19) VCF-style: chr11-64577447-C-T.
Other names: c.135G>A, p.Glu45= (NM_130800.3, NM_130801.3, NM_130802.3 and 9 more transcripts).
Identifiers: ClinVar variation 1150153 (VCV001150153.12), dbSNP rs778670301, ClinGen allele CA060538.